The following is an entry in ClinVar:

NM_006231.4(POLE):c.3575G>A (p.Arg1192Lys)

Gene: POLE (DNA polymerase epsilon, catalytic subunit; minus strand). Cytogenetic location: 12q24.33.
Variant type: single nucleotide variant.
Coding change: c.3575G>A on transcript NM_006231.4 (MANE Select); coding-DNA position 3575, G replaced by A.
Protein change: p.Arg1192Lys; replaces arginine 1192 with lysine.
Molecular consequence: missense variant.
Genome position (GRCh38, 1-based): chr12:132,657,143, C>T on the plus strand (G>A on the coding strand, the complement: POLE is on the minus strand). VCF-style: chr12-132657143-C-T. GRCh37 (hg19) VCF-style: chr12-133233729-C-T.
Other names: short protein forms R1192K.
Identifiers: ClinVar variation 1910414 (VCV001910414.5), dbSNP rs763101554, ClinGen allele CA6893192.

ClinVar aggregate classification (germline): Uncertain significance (1 of 4 stars; one submission).

Allele frequency attached by ClinVar (database versions not stated): ExAC 0.00001.

Submission:

Labcorp Genetics (formerly Invitae), Labcorp
Classification: Uncertain significance. Last evaluated: 2024-05-27. Review status: criteria provided, single submitter. Criteria: Invitae Variant Classification Sherloc (09022015). Collection method: clinical testing. Allele origin: germline.
Comment: This sequence change replaces arginine, which is basic and polar, with lysine, which is basic and polar, at codon 1192 of the POLE protein (p.Arg1192Lys). This variant is present in population databases (rs763101554, gnomAD 0.003%). This variant has not been reported in the literature in individuals affected with POLE-related conditions. ClinVar contains an entry for this variant (Variation ID: 1910414). Advanced modeling of protein sequence and biophysical properties (such as structural, functional, and spatial information, amino acid conservation, physicochemical variation, residue mobility, and thermodynamic stability) performed at Invitae indicates that this missense variant is not expected to disrupt POLE protein function with a negative predictive value of 80%. In summary, the available evidence is currently insufficient to determine the role of this variant in disease. Therefore, it has been classified as a Variant of Uncertain Significance.